The following is an entry in ClinVar:

NM_002528.7(NTHL1):c.887C>A (p.Ala296Asp)

Gene: NTHL1 (nth like DNA glycosylase 1; minus strand). Cytogenetic location: 16p13.3.
Variant type: single nucleotide variant.
Coding change: c.887C>A on transcript NM_002528.7 (MANE Select); coding-DNA position 887, C replaced by A.
Protein change: p.Ala296Asp; replaces alanine 296 with aspartic acid.
Molecular consequence: missense variant.
Genome position (GRCh38, 1-based): chr16:2,039,952, G>T on the plus strand (C>A on the coding strand, the complement: NTHL1 is on the minus strand). VCF-style: chr16-2039952-G-T. GRCh37 (hg19) VCF-style: chr16-2089953-G-T.
Other names: c.716C>A, p.Ala239Asp (NM_001318193.2); c.557C>A, p.Ala186Asp (NM_001318194.2); short protein forms A186D, A239D, A296D.
Identifiers: ClinVar variation 1009713 (VCV001009713.7), dbSNP rs2084236411, ClinGen allele CA394287052.

ClinVar aggregate classification (germline): Uncertain significance (1 of 4 stars; one submission).

Submission:

Labcorp Genetics (formerly Invitae), Labcorp
Classification: Uncertain significance. Last evaluated: 2025-04-21. Review status: criteria provided, single submitter. Criteria: Invitae Variant Classification Sherloc (09022015). Collection method: clinical testing. Allele origin: germline.
Comment: This sequence change replaces alanine, which is neutral and non-polar, with aspartic acid, which is acidic and polar, at codon 304 of the NTHL1 protein (p.Ala304Asp). This variant is not present in population databases (gnomAD no frequency). This variant has not been reported in the literature in individuals affected with NTHL1-related conditions. ClinVar contains an entry for this variant (Variation ID: 1009713). An algorithm developed to predict the effect of missense changes on protein structure and function (PolyPhen-2) suggests that this variant is likely to be tolerated. In summary, the available evidence is currently insufficient to determine the role of this variant in disease. Therefore, it has been classified as a Variant of Uncertain Significance.